The following is an entry in ClinVar:

NM_001042492.3(NF1):c.4957_4964del (p.Arg1653fs)

Gene: NF1 (neurofibromin 1; plus strand). Cytogenetic location: 17q11.2.
Variant type: Deletion.
Coding change: c.4957_4964del on transcript NM_001042492.3 (MANE Select); coding-DNA positions 4957 to 4964, 8 bases deleted (CGCTTTAA; older notation c.4957_4964delCGCTTTAA).
Protein change: p.Arg1653fs; shifts the reading frame from arginine 1653.
Molecular consequence: frameshift variant.
Genome position (GRCh38, 1-based): chr17:31,325,941-31,325,948, CGCTTTAA deleted. VCF-style (leftmost placement, unchanged base first): chr17-31325940-TCGCTTTAA-T. GRCh37 (hg19) VCF-style: chr17-29652958-TCGCTTTAA-T.
Other names: c.4894_4901delCGCTTTAA, p.Arg1632Asnfs (NM_000267.4); short protein forms R1632fs, R1653fs.
Identifiers: ClinVar variation 646596 (VCV000646596.5), dbSNP rs1597829749, ClinGen allele CA915949789.

ClinVar aggregate classification (germline): Pathogenic (1 of 4 stars; one submission).

Conditions:
Neurofibromatosis, type 1 (NF1). Also called: NEUROFIBROMATOSIS, TYPE I, SOMATIC; VON RECKLINGHAUSEN DISEASE; Neurofibromatosis, type I; Peripheral type neurofibromatosis. Identifiers: Orphanet 636, MedGen C0027831, MONDO:0018975, OMIM 162200. Disease mechanism: loss of function.

Submission:

Labcorp Genetics (formerly Invitae), Labcorp
Classification: Pathogenic for Neurofibromatosis, type 1. Last evaluated: 2018-12-27. Review status: criteria provided, single submitter. Criteria: Invitae Variant Classification Sherloc (09022015). Collection method: clinical testing. Allele origin: germline.
Comment: Loss-of-function variants in NF1 are known to be pathogenic (PMID: 10712197, 23913538). For these reasons, this variant has been classified as Pathogenic. This variant has not been reported in the literature in individuals with NF1-related conditions. This sequence change creates a premature translational stop signal (p.Arg1632Asnfs*6) in the NF1 gene. It is expected to result in an absent or disrupted protein product. This variant is not present in population databases (ExAC no frequency).

Literature cited by the submitters: PubMed 10712197; PubMed 23913538.